The following is an entry in ClinVar:

ClinVar aggregate classification (germline): Uncertain significance. Review status: criteria provided, multiple submitters, no conflicts (2 of 4 stars). 2 submissions from 2 submitters: Uncertain significance (2). Last evaluated 2025-11-22.

Conditions:
Hereditary cancer-predisposing syndrome. Also called: Hereditary neoplastic syndrome; Neoplastic Syndromes, Hereditary; Tumor predisposition; Hereditary Cancer Syndrome. Identifiers: Orphanet 140162, MedGen C0027672, MeSH D009386, MONDO:0015356.
Ataxia-telangiectasia syndrome (AT). Also called: Ataxia-telangiectasia, complementation group D; AT, COMPLEMENTATION GROUP C; ATAXIA-TELANGIECTASIA, COMPLEMENTATION GROUP A; ATAXIA-TELANGIECTASIA, FRESNO VARIANT; Ataxia-telangiectasia; Cerebello-oculocutaneous telangiectasia. Identifiers: Orphanet 100, MedGen C0004135, MONDO:0008840, OMIM 208900.

Allele frequency attached by ClinVar (database versions not stated): gnomAD exomes below 0.00001.
gnomAD v4.1: 1 of 1,613,472 alleles (0.000062%); highest among the groups gnomAD compares: Non-Finnish European, 0.000085%; no homozygotes.

Submissions (2):

Ambry Genetics
Classification: Uncertain significance for Hereditary cancer-predisposing syndrome. Last evaluated: 2025-11-22. Review status: criteria provided, single submitter. Criteria: Ambry Variant Classification Scheme 2023. Collection method: clinical testing. Allele origin: germline.
Comment: The p.N1801Y variant (also known as c.5401A>T), located in coding exon 35 of the ATM gene, results from an A to T substitution at nucleotide position 5401. The asparagine at codon 1801 is replaced by tyrosine, an amino acid with dissimilar properties. This amino acid position is not well conserved in available vertebrate species. In addition, this alteration is predicted to be tolerated by in silico analysis. Since supporting evidence is limited at this time, the clinical significance of this alteration remains unclear.

Labcorp Genetics (formerly Invitae), Labcorp
Classification: Uncertain significance for Ataxia-telangiectasia syndrome. Last evaluated: 2024-02-24. Review status: criteria provided, single submitter. Criteria: Invitae Variant Classification Sherloc (09022015). Collection method: clinical testing. Allele origin: germline.
Comment: This sequence change replaces asparagine, which is neutral and polar, with tyrosine, which is neutral and polar, at codon 1801 of the ATM protein (p.Asn1801Tyr). This variant is not present in population databases (gnomAD no frequency). This variant has not been reported in the literature in individuals affected with ATM-related conditions. ClinVar contains an entry for this variant (Variation ID: 1004438). An algorithm developed to predict the effect of missense changes on protein structure and function (PolyPhen-2) suggests that this variant is likely to be disruptive. In summary, the available evidence is currently insufficient to determine the role of this variant in disease. Therefore, it has been classified as a Variant of Uncertain Significance.

NM_000051.4(ATM):c.5401A>T (p.Asn1801Tyr)

Gene: ATM (ATM serine/threonine kinase; plus strand). Cytogenetic location: 11q22.3.
Variant type: single nucleotide variant.
Coding change: c.5401A>T on transcript NM_000051.4 (MANE Select); coding-DNA position 5401, A replaced by T.
Protein change: p.Asn1801Tyr; replaces asparagine 1801 with tyrosine.
Molecular consequence: missense variant.
Genome position (GRCh38, 1-based): chr11:108,302,934, A>T. VCF-style: chr11-108302934-A-T. GRCh37 (hg19) VCF-style: chr11-108173661-A-T.
Other names: c.5401A>T, p.Asn1801Tyr (NM_001351834.2); short protein forms N1801Y.
Identifiers: ClinVar variation 1004438 (VCV001004438.13), dbSNP rs2083502328, ClinGen allele CA382543739.